The following is an entry in ClinVar:

ClinVar aggregate classification (germline): Uncertain significance (1 of 4 stars; one submission).

Conditions:
Inborn genetic diseases. Identifiers: MedGen C0950123, MeSH D030342.

Submission:

Ambry Genetics
Classification: Uncertain significance for Inborn genetic diseases. Last evaluated: 2025-11-10. Review status: criteria provided, single submitter. Criteria: Ambry Variant Classification Scheme 2023. Collection method: clinical testing. Allele origin: germline.
Comment: The p.C735S variant (also known as c.2204G>C), located in coding exon 21 of the ANKRD26 gene, results from a G to C substitution at nucleotide position 2204. The cysteine at codon 735 is replaced by serine, an amino acid with dissimilar properties. This amino acid position is conserved. In addition, this alteration is predicted to be tolerated by in silico analysis. Based on the available evidence, the clinical significance of this variant remains unclear.

NM_014915.3(ANKRD26):c.2204G>C (p.Cys735Ser)

Gene: ANKRD26 (ankyrin repeat domain 26; minus strand). Cytogenetic location: 10p12.1.
Variant type: single nucleotide variant.
Coding change: c.2204G>C on transcript NM_014915.3 (MANE Select); coding-DNA position 2204, G replaced by C.
Protein change: p.Cys735Ser; replaces cysteine 735 with serine.
Molecular consequence: missense variant.
Genome position (GRCh38, 1-based): chr10:27,040,136, C>G on the plus strand (G>C on the coding strand, the complement: ANKRD26 is on the minus strand). VCF-style: chr10-27040136-C-G. GRCh37 (hg19) VCF-style: chr10-27329065-C-G.
Other names: c.2201G>C, p.Cys734Ser (NM_001256053.2); short protein forms C734S, C735S.
Identifiers: ClinVar variation 4579938 (VCV004579938.1).